The following is an entry in ClinVar:

NM_001927.4(DES):c.1096A>G (p.Asn366Asp)

Gene: DES (desmin; plus strand). Cytogenetic location: 2q35.
Variant type: single nucleotide variant.
Coding change: c.1096A>G on transcript NM_001927.4 (MANE Select); coding-DNA position 1096, A replaced by G.
Protein change: p.Asn366Asp; replaces asparagine 366 with aspartic acid.
Molecular consequence: missense variant. On other transcripts: intron variant (1).
Genome position (GRCh38, 1-based): chr2:219,421,412, A>G. VCF-style: chr2-219421412-A-G. GRCh37 (hg19) VCF-style: chr2-220286134-A-G.
Other names: c.1093A>G, p.Asn365Asp (NM_001382708.1); c.1027A>G, p.Asn343Asp (NM_001382710.1); c.1075A>G, p.Asn359Asp (NM_001382711.1); c.1096A>G, p.Asn366Asp (NM_001382712.1); c.826A>G, p.Asn276Asp (NM_001382713.1); c.736-72A>G (NM_001382709.1); short protein forms N276D, N365D, N366D, N343D, N359D.
Identifiers: ClinVar variation 1790633 (VCV001790633.2), dbSNP rs2545254946, ClinGen allele CA350694186.
Genomic context (GRCh38, chr2:219,421,412, plus strand): 5'-ATGAGGCAGATGCGGGAATTGGAGGACCGATTTGCCAGTGAGGCCAGTGGCTACCAGGAC[A>G]ACATTGCGCGCCTGGAGGAGGAAATCCGGCACCTCAAGGATGAGATGGCCCGCCATCTGC-3'
Protein context (NP_001918.3, residues 356-376): FASEASGYQD[Asn366Asp]IARLEEEIRH

ClinVar aggregate classification (germline): Uncertain significance (1 of 4 stars; one submission).

Conditions:
Cardiovascular phenotype. Identifiers: MedGen CN230736.

Allele frequency attached by ClinVar (database versions not stated): gnomAD exomes below 0.00001.
gnomAD v4.1: 1 of 1,614,090 alleles (0.000062%); highest among the groups gnomAD compares: Non-Finnish European, 0.000085%; no homozygotes.

Submission:

Ambry Genetics
Classification: Uncertain significance for Cardiovascular phenotype. Last evaluated: 2022-10-27. Review status: criteria provided, single submitter. Criteria: Ambry Variant Classification Scheme 2023. Collection method: clinical testing. Allele origin: germline.
Comment: The p.N366D variant (also known as c.1096A>G), located in coding exon 6 of the DES gene, results from an A to G substitution at nucleotide position 1096. The asparagine at codon 366 is replaced by aspartic acid, an amino acid with highly similar properties. This amino acid position is conserved. In addition, the in silico prediction for this alteration is inconclusive. Since supporting evidence is limited at this time, the clinical significance of this alteration remains unclear.